The following is an entry in ClinVar:

ClinVar aggregate classification (germline): Benign/Likely benign. Review status: criteria provided, multiple submitters, no conflicts (2 of 4 stars). 8 submissions from 8 submitters: Benign (5); Likely benign (1). 2 of the submissions do not count toward it. Last evaluated 2026-02-03.

Conditions:
Familial cold autoinflammatory syndrome 3 (FCAS3). Also called: ANTIBODY DEFICIENCY AND IMMUNE DYSREGULATION, PLCG2-ASSOCIATED; FAMILIAL ATYPICAL COLD URTICARIA. Identifiers: Orphanet 300359, MedGen C3280914, MONDO:0013766, OMIM 614468.

Allele frequency attached by ClinVar (database versions not stated): 1000 Genomes Project 0.01358; 1000 Genomes Project 30x 0.01483; gnomAD exomes 0.02728 and 0.04091; gnomAD 0.02796 and 0.02918; ExAC 0.02857; TOPMed 0.02950; ESP Exome Variant Server 0.03393.
gnomAD v4.1: 63,000 of 1,592,502 alleles (4%); highest among the groups gnomAD compares: Non-Finnish European, 4.7%; 1,482 homozygotes.

Submissions (8):

Labcorp Genetics (formerly Invitae), Labcorp
Classification: Benign for Familial cold autoinflammatory syndrome 3. Last evaluated: 2026-02-03. Review status: criteria provided, single submitter. Criteria: Invitae Variant Classification Sherloc (09022015). Collection method: clinical testing. Allele origin: germline.

Women's Health and Genetics/Laboratory Corporation of America, LabCorp
Classification: Benign. Last evaluated: 2026-01-21. Review status: criteria provided, single submitter. Criteria: LabCorp Variant Classification Summary - May 2015. Collection method: clinical testing. Allele origin: germline.

ARUP Laboratories, Molecular Genetics and Genomics, ARUP Laboratories
Classification: Benign. Last evaluated: 2025-07-24. Review status: criteria provided, single submitter. Criteria: ARUP Molecular Germline Variant Investigation Process 2024. Collection method: clinical testing. Allele origin: germline.

Blueprint Genetics
Classification: Likely benign. Last evaluated: 2024-11-27. Review status: criteria provided, single submitter. Criteria: ACMG Guidelines, 2015. Collection method: clinical testing. Allele origin: germline.

Mayo Clinic Laboratories, Mayo Clinic
Classification: Benign. Last evaluated: 2024-02-08. Review status: criteria provided, single submitter. Criteria: ACMG Guidelines, 2015. Collection method: clinical testing. Allele origin: germline. Observed: 100 variant alleles.
Comment: BS1, BS2, BP4, BP7

Breakthrough Genomics
Classification: Benign. Review status: criteria provided, single submitter. Criteria: ACMG Guidelines, 2015. Collection method: not provided. Allele origin: germline. Inheritance: Autosomal dominant inheritance. Affected: yes.

Genome Diagnostics Laboratory, University Medical Center Utrecht
Classification: Benign. Review status: no assertion criteria provided. Collection method: clinical testing. Allele origin: germline. Affected: yes. Study: VKGL Data-share Consensus. Not counted in ClinVar's aggregate classification.

Laboratory of Diagnostic Genome Analysis, Leiden University Medical Center (LUMC)
Classification: Likely benign. Review status: no assertion criteria provided. Collection method: clinical testing. Allele origin: germline. Affected: yes. Study: VKGL Data-share Consensus. Not counted in ClinVar's aggregate classification.

NM_002661.5(PLCG2):c.2054+7G>A

Gene: PLCG2 (phospholipase C gamma 2; plus strand). Cytogenetic location: 16q23.3.
Variant type: single nucleotide variant.
Coding change: c.2054+7G>A on transcript NM_002661.5 (MANE Select); 7 bases into the intron after coding-DNA position 2054, G replaced by A.
Molecular consequence: intron variant.
Genome position (GRCh38, 1-based): chr16:81,912,723, G>A. VCF-style: chr16-81912723-G-A. GRCh37 (hg19) VCF-style: chr16-81946328-G-A.
Other names: p.?.
Identifiers: ClinVar variation 472894 (VCV000472894.31), dbSNP rs138158454, ClinGen allele CA8194047.